The following is an entry in ClinVar:

NM_000520.6(HEXA):c.699C>G (p.Ile233Met)

Gene: HEXA (hexosaminidase subunit alpha; minus strand). Cytogenetic location: 15q23.
Variant type: single nucleotide variant.
Coding change: c.699C>G on transcript NM_000520.6 (MANE Select); coding-DNA position 699, C replaced by G.
Protein change: p.Ile233Met; replaces isoleucine 233 with methionine.
Molecular consequence: missense variant. On other transcripts: non-coding transcript variant (1).
Genome position (GRCh38, 1-based): chr15:72,350,624, G>C on the plus strand (C>G on the coding strand, the complement: HEXA is on the minus strand). VCF-style: chr15-72350624-G-C. GRCh37 (hg19) VCF-style: chr15-72642965-G-C.
Other names: c.732C>G, p.Ile244Met (NM_001318825.2); short protein forms I233M, I244M.
Identifiers: ClinVar variation 1368123 (VCV001368123.5), dbSNP rs2140324240, ClinGen allele CA393063283.
Genomic context (GRCh38, chr15:72,350,624, plus strand): 5'-CACACGGATACCCCGGAGCCGTGCGTATTCAATGACCTCCTTCACATCCTGTGCTGTGTA[G>C]ATGTGGGTGACAGGGTTGTAGGACCCCTGAAAGGCACAAGACACCCTTCAGGTTCACACT-3'
Protein context (NP_000511.2, residues 223-243): RKGSYNPVTH[Ile233Met]YTAQDVKEVI

ClinVar aggregate classification (germline): Uncertain significance (1 of 4 stars; one submission).

Conditions:
Tay-Sachs disease (TSD). Also called: HEXA DEFICIENCY; GM2 gangliosidosis, type 1; Hexosaminidase alpha-subunit deficiency (variant B); Sphingolipidosis, Tay-Sachs; Hexosaminidase A Deficiency; HEXA Disorders. Identifiers: Orphanet 845, MedGen C0039373, MONDO:0010100, OMIM 272800.

Submission:

Labcorp Genetics (formerly Invitae), Labcorp
Classification: Uncertain significance for Tay-Sachs disease. Last evaluated: 2022-02-08. Review status: criteria provided, single submitter. Criteria: Invitae Variant Classification Sherloc (09022015). Collection method: clinical testing. Allele origin: germline.
Comment: This sequence change replaces isoleucine, which is neutral and non-polar, with methionine, which is neutral and non-polar, at codon 233 of the HEXA protein (p.Ile233Met). This variant is not present in population databases (gnomAD no frequency). This variant has not been reported in the literature in individuals affected with HEXA-related conditions. Algorithms developed to predict the effect of missense changes on protein structure and function are either unavailable or do not agree on the potential impact of this missense change (SIFT: "Deleterious"; PolyPhen-2: "Probably Damaging"; Align-GVGD: "Class C0"). In summary, the available evidence is currently insufficient to determine the role of this variant in disease. Therefore, it has been classified as a Variant of Uncertain Significance.